The following is an entry in ClinVar:

NM_033026.6(PCLO):c.650A>G (p.Lys217Arg)

Gene: PCLO (piccolo presynaptic cytomatrix protein; minus strand). Cytogenetic location: 7q21.11.
Variant type: single nucleotide variant.
Coding change: c.650A>G on transcript NM_033026.6 (MANE Select); coding-DNA position 650, A replaced by G.
Protein change: p.Lys217Arg; replaces lysine 217 with arginine.
Molecular consequence: missense variant.
Genome position (GRCh38, 1-based): chr7:83,155,991, T>C on the plus strand (A>G on the coding strand, the complement: PCLO is on the minus strand). VCF-style: chr7-83155991-T-C. GRCh37 (hg19) VCF-style: chr7-82785307-T-C.
Other names: c.650A>G, p.Lys217Arg (NM_014510.3); short protein forms K217R.
Identifiers: ClinVar variation 1374423 (VCV001374423.6), dbSNP rs754806998, ClinGen allele CA4321626.

ClinVar aggregate classification (germline): Uncertain significance (1 of 4 stars; one submission).

Allele frequency attached by ClinVar (database versions not stated): ExAC 0.00001; gnomAD exomes 0.00003 and 0.00006; TOPMed 0.00003; gnomAD 0.00005 and 0.00006.
gnomAD v4.1: 107 of 1,613,604 alleles (0.0066%); highest among the groups gnomAD compares: Non-Finnish European, 0.0081%; no homozygotes.

Submission:

Labcorp Genetics (formerly Invitae), Labcorp
Classification: Uncertain significance. Last evaluated: 2024-09-05. Review status: criteria provided, single submitter. Criteria: Invitae Variant Classification Sherloc (09022015). Collection method: clinical testing. Allele origin: germline.
Comment: This sequence change replaces lysine, which is basic and polar, with arginine, which is basic and polar, at codon 217 of the PCLO protein (p.Lys217Arg). This variant is present in population databases (rs754806998, gnomAD 0.007%). This variant has not been reported in the literature in individuals affected with PCLO-related conditions. ClinVar contains an entry for this variant (Variation ID: 1374423). Experimental studies and prediction algorithms are not available or were not evaluated, and the functional significance of this variant is currently unknown. In summary, the available evidence is currently insufficient to determine the role of this variant in disease. Therefore, it has been classified as a Variant of Uncertain Significance.